The following is an entry in ClinVar:

NM_000051.4(ATM):c.3285A>G (p.Arg1095=)

Gene: ATM (ATM serine/threonine kinase; plus strand). Cytogenetic location: 11q22.3.
Variant type: single nucleotide variant.
Coding change: c.3285A>G on transcript NM_000051.4 (MANE Select); coding-DNA position 3285, A replaced by G.
Protein change: p.Arg1095=; no amino-acid change (arginine 1095 retained).
Molecular consequence: synonymous variant.
Genome position (GRCh38, 1-based): chr11:108,279,491, A>G. VCF-style: chr11-108279491-A-G. GRCh37 (hg19) VCF-style: chr11-108150218-A-G.
Other names: c.3285A>G, p.Arg1095= (NM_001351834.2).
Identifiers: ClinVar variation 2865125 (VCV002865125.3), dbSNP rs2082114209, ClinGen allele CA476672619.
Genomic context (GRCh38, chr11:108,279,491, plus strand): 5'-GGGTTTGAAATTAGAAAATTATTTCACTTTTTGTTTGTTTGTTTGCTTGCTTGTTTTAAG[A>G]TTGTTCCAGGACACGAAGGGAGATTCTTCCAGGTTACTGAAAGCACTTCCTTTGAAGCTT-3'
Protein context (NP_000042.3, residues 1085-1105): VRMLAAESIN[Arg1095=]LFQDTKGDSS

ClinVar aggregate classification (germline): Uncertain significance (1 of 4 stars; one submission).

Conditions:
Ataxia-telangiectasia syndrome (AT). Also called: AT, COMPLEMENTATION GROUP C; Ataxia telangiectasia (A-T); ATAXIA-TELANGIECTASIA, COMPLEMENTATION GROUP A; ATAXIA-TELANGIECTASIA, FRESNO VARIANT; Ataxia-telangiectasia, complementation group D; Ataxia-telangiectasia, complementation group E. Identifiers: Orphanet 100, MedGen C0004135, MONDO:0008840, OMIM 208900.

Submission:

Labcorp Genetics (formerly Invitae), Labcorp
Classification: Uncertain significance for Ataxia-telangiectasia syndrome. Last evaluated: 2024-02-23. Review status: criteria provided, single submitter. Criteria: Invitae Variant Classification Sherloc (09022015). Collection method: clinical testing. Allele origin: germline.
Comment: This sequence change affects codon 1095 of the ATM mRNA. It is a 'silent' change, meaning that it does not change the encoded amino acid sequence of the ATM protein. It affects a nucleotide within the consensus splice site. This variant is not present in population databases (gnomAD no frequency). This variant has not been reported in the literature in individuals affected with ATM-related conditions. Algorithms developed to predict the effect of sequence changes on RNA splicing suggest that this variant is not likely to affect RNA splicing. In summary, the available evidence is currently insufficient to determine the role of this variant in disease. Therefore, it has been classified as a Variant of Uncertain Significance.